The following is an entry in ClinVar:

NM_001349206.2(LPIN1):c.420C>T (p.Ile140=)

Gene: LPIN1 (lipin 1; plus strand). Cytogenetic location: 2p25.1.
Variant type: single nucleotide variant.
Coding change: c.420C>T on transcript NM_001349206.2 (MANE Select); coding-DNA position 420, C replaced by T.
Protein change: p.Ile140=; no amino-acid change (isoleucine 140 retained).
Molecular consequence: synonymous variant. On other transcripts: non-coding transcript variant (1).
Genome position (GRCh38, 1-based): chr2:11,771,503, C>T. VCF-style: chr2-11771503-C-T. GRCh37 (hg19) VCF-style: chr2-11911629-C-T.
Other names: p.Ile140=; c.438C>T, p.Ile146= (NM_001261427.3); c.567C>T, p.Ile189= (NM_001261428.3, NM_001349208.2); c.420C>T, p.Ile140= (NM_001349199.2, NM_001349200.2, NM_001349201.2 and 5 more transcripts); c.510C>T, p.Ile170= (NM_001349207.2).
Identifiers: ClinVar variation 262594 (VCV000262594.24), dbSNP rs75945731, ClinGen allele CA1533423.

ClinVar aggregate classification (germline): Benign. Review status: criteria provided, multiple submitters, no conflicts (2 of 4 stars). 6 submissions from 6 submitters: Benign (6). Last evaluated 2026-02-01.

Conditions:
Myoglobinuria, acute recurrent, autosomal recessive. Also called: MYOGLOBINURIA, FAMILIAL PAROXYSMAL PARALYTIC; RHABDOMYOLYSIS, ACUTE RECURRENT; Myoglobinuria, recurrent, autosomal recessive. Identifiers: Orphanet 99845, MedGen C1849386, MONDO:0009992, OMIM 268200.

Allele frequency attached by ClinVar (database versions not stated): TOPMed 0.01198; 1000 Genomes Project 30x 0.01062; ESP Exome Variant Server 0.01107; 1000 Genomes Project 0.01018; gnomAD 0.01030 and 0.01127.
gnomAD v4.1: 3,050 of 1,614,096 alleles (0.19%); highest among the groups gnomAD compares: African/African-American, 3.6%; 43 homozygotes.

Submissions (6):

Labcorp Genetics (formerly Invitae), Labcorp
Classification: Benign. Last evaluated: 2026-02-01. Review status: criteria provided, single submitter. Criteria: Invitae Variant Classification Sherloc (09022015). Collection method: clinical testing. Allele origin: germline.

ARUP Laboratories, Molecular Genetics and Genomics, ARUP Laboratories
Classification: Benign for Myoglobinuria, acute recurrent, autosomal recessive. Last evaluated: 2025-04-17. Review status: criteria provided, single submitter. Criteria: ARUP Molecular Germline Variant Investigation Process 2024. Collection method: clinical testing. Allele origin: germline.

Mayo Clinic Laboratories, Mayo Clinic
Classification: Benign. Last evaluated: 2024-03-21. Review status: criteria provided, single submitter. Criteria: ACMG Guidelines, 2015. Collection method: clinical testing. Allele origin: germline. Observed: 9 variant alleles.

GeneDx
Classification: Benign. Last evaluated: 2018-11-20. Review status: criteria provided, single submitter. Criteria: GeneDx Variant Classification Process June 2021. Collection method: clinical testing. Allele origin: germline. Affected: yes.

Illumina Laboratory Services, Illumina
Classification: Benign for Myoglobinuria, acute recurrent, autosomal recessive. Last evaluated: 2018-01-12. Review status: criteria provided, single submitter. Criteria: ICSL Variant Classification Criteria 13 December 2019. Collection method: clinical testing. Allele origin: germline.
Comment: This variant was observed in the ICSL laboratory as part of a predisposition screen in an ostensibly healthy population. It had not been previously curated by ICSL or reported in the Human Gene Mutation Database (HGMD: prior to June 1st, 2018), and was therefore a candidate for classification through an automated scoring system. Utilizing variant allele frequency, disease prevalence and penetrance estimates, and inheritance mode, an automated score was calculated to assess if this variant is too frequent to cause the disease. Based on the score and internal cut-off values, a variant classified as benign is not then subjected to further curation. The score for this variant resulted in a classification of benign for this disease.

PreventionGenetics, part of Exact Sciences
Classification: Benign. Review status: criteria provided, single submitter. Criteria: ACMG Guidelines, 2015. Collection method: clinical testing. Allele origin: germline.